The following is an entry in ClinVar:

NM_020759.3(STARD9):c.11322A>C (p.Glu3774Asp)

Gene: STARD9 (StAR related lipid transfer domain containing 9; plus strand). Cytogenetic location: 15q15.2.
Variant type: single nucleotide variant.
Coding change: c.11322A>C on transcript NM_020759.3 (MANE Select); coding-DNA position 11322, A replaced by C.
Protein change: p.Glu3774Asp; replaces glutamic acid 3774 with aspartic acid.
Molecular consequence: missense variant.
Genome position (GRCh38, 1-based): chr15:42,692,900, A>C. VCF-style: chr15-42692900-A-C. GRCh37 (hg19) VCF-style: chr15-42985098-A-C.
Other names: short protein forms E3774D.
Identifiers: ClinVar variation 3025802 (VCV003025802.22), dbSNP rs988677928, ClinGen allele CA269903441.
Genomic context (GRCh38, chr15:42,692,900, plus strand): 5'-TCAGGGAGCCAATGTGATCCTTGAAGGGCTAGGCTCAGATACCTCGACTGTGTCTCAAGA[A>C]GAGGGAGATGTGCCAGGGGTACCTCAGAAGAGAGAGGCAGAGGAAACAGCACAGAAAATG-3'
Protein context (NP_065810.2, residues 3764-3784): LGSDTSTVSQ[Glu3774Asp]EGDVPGVPQK

ClinVar aggregate classification (germline): Uncertain significance (1 of 4 stars; one submission).

Allele frequency attached by ClinVar (database versions not stated): gnomAD exomes below 0.00001; gnomAD 0.00001; TOPMed 0.00002.
gnomAD v4.1: 4 of 1,537,166 alleles (0.00026%); highest among the groups gnomAD compares: Non-Finnish European, 0.00035%; no homozygotes.

Submission:

CeGaT Center for Human Genetics Tuebingen
Classification: Uncertain significance. Last evaluated: 2024-01-01. Review status: criteria provided, single submitter. Criteria: CeGaT Center For Human Genetics Tuebingen Variant Classification Criteria Version 2. Collection method: clinical testing. Allele origin: germline. Affected: yes. Observed: 1 variant allele.
Comment: STARD9: PM2, BP4